The following is an entry in ClinVar:

ClinVar aggregate classification (germline): Likely benign. Review status: criteria provided, multiple submitters, no conflicts (2 of 4 stars). 6 submissions from 6 submitters: Likely benign (6). Last evaluated 2024-10-19.

Conditions:
Hypertrophic cardiomyopathy. Also called: HYPERTROPHIC MYOCARDIOPATHY. Identifiers: Orphanet 217569, MedGen C0007194, MeSH D002312, MONDO:0005045, HP:0001639.
Cardiomyopathy (CMYO). Also called: Cardiomyopathies. Identifiers: Orphanet 167848, MedGen C0878544, MONDO:0004994, HP:0001638. Inheritance: Various modes of inheritance.
Cardiovascular phenotype. Identifiers: MedGen CN230736.

Allele frequency attached by ClinVar (database versions not stated): TOPMed below 0.00001; ExAC 0.00001; gnomAD exomes 0.00001; gnomAD 0.00002.
gnomAD v4.1: 22 of 1,612,896 alleles (0.0014%); highest among the groups gnomAD compares: Non-Finnish European, 0.0018%; no homozygotes.

Submissions (6):

Ambry Genetics
Classification: Likely benign for Cardiovascular phenotype. Last evaluated: 2024-10-19. Review status: criteria provided, single submitter. Criteria: Ambry Variant Classification Scheme 2023. Collection method: clinical testing. Allele origin: germline.

Labcorp Genetics (formerly Invitae), Labcorp
Classification: Likely benign for Hypertrophic cardiomyopathy. Last evaluated: 2024-04-22. Review status: criteria provided, single submitter. Criteria: Invitae Variant Classification Sherloc (09022015). Collection method: clinical testing. Allele origin: germline.

CeGaT Center for Human Genetics Tuebingen
Classification: Likely benign. Last evaluated: 2024-04-01. Review status: criteria provided, single submitter. Criteria: CeGaT Center For Human Genetics Tuebingen Variant Classification Criteria Version 2. Collection method: clinical testing. Allele origin: germline. Affected: yes. Observed: 2 variant alleles.
Comment: MYH7: BP4, BP7

Blueprint Genetics
Classification: Likely benign. Last evaluated: 2024-03-20. Review status: criteria provided, single submitter. Criteria: ACMG Guidelines, 2015. Collection method: clinical testing. Allele origin: germline.

All of Us Research Program, National Institutes of Health
Classification: Likely benign for Cardiomyopathy. Last evaluated: 2023-08-08. Review status: criteria provided, single submitter. Criteria: ACMG Guidelines, 2015. Collection method: clinical testing. Allele origin: germline. Inheritance: Autosomal dominant inheritance. Observed: 1 variant allele, 1 heterozygote.
Comment: This study involves interpretation of variants in research participants for the purpose of population health screening. Participant phenotype was not available at the time of variant classification. Additional details can be found in publication PMID: 35346344, PMCID: PMC8962531

Color Diagnostics, LLC DBA Color Health
Classification: Likely benign for Cardiomyopathy. Last evaluated: 2023-07-20. Review status: criteria provided, single submitter. Criteria: ACMG Guidelines, 2015. Collection method: clinical testing. Allele origin: germline.

NM_000257.4(MYH7):c.4200T>C (p.Ala1400=)

Gene: MYH7 (myosin heavy chain 7; minus strand). Cytogenetic location: 14q11.2.
Variant type: single nucleotide variant.
Coding change: c.4200T>C on transcript NM_000257.4 (MANE Select); coding-DNA position 4200, T replaced by C.
Protein change: p.Ala1400=; no amino-acid change (alanine 1400 retained).
Molecular consequence: synonymous variant.
Genome position (GRCh38, 1-based): chr14:23,417,656, A>G on the plus strand (T>C on the coding strand, the complement: MYH7 is on the minus strand). VCF-style: chr14-23417656-A-G. GRCh37 (hg19) VCF-style: chr14-23886865-A-G.
Identifiers: ClinVar variation 374678 (VCV000374678.53), dbSNP rs760638048, ClinGen allele CA041186.